The following is an entry in ClinVar:

NM_006662.3(SRCAP):c.2580G>C (p.Arg860Ser)

Gene: SRCAP (Snf2 related CREBBP activator protein; plus strand). Cytogenetic location: 16p11.2.
Variant type: single nucleotide variant.
Coding change: c.2580G>C on transcript NM_006662.3 (MANE Select); coding-DNA position 2580, G replaced by C.
Protein change: p.Arg860Ser; replaces arginine 860 with serine.
Molecular consequence: missense variant.
Genome position (GRCh38, 1-based): chr16:30,716,152, G>C. VCF-style: chr16-30716152-G-C. GRCh37 (hg19) VCF-style: chr16-30727473-G-C.
Other names: short protein forms R860S.
Identifiers: ClinVar variation 3067571 (VCV003067571.21), dbSNP rs2506645938, ClinGen allele CA395610924.

ClinVar aggregate classification (germline): Uncertain significance (1 of 4 stars; one submission).

Submission:

CeGaT Center for Human Genetics Tuebingen
Classification: Uncertain significance. Last evaluated: 2024-03-01. Review status: criteria provided, single submitter. Criteria: CeGaT Center For Human Genetics Tuebingen Variant Classification Criteria Version 2. Collection method: clinical testing. Allele origin: germline. Affected: yes. Observed: 1 variant allele.
Comment: SRCAP: PM2